The following is an entry in ClinVar:

ClinVar aggregate classification (germline): Uncertain significance (1 of 4 stars; one submission).

Submission:

GeneDx
Classification: Uncertain significance. Last evaluated: 2025-07-02. Review status: criteria provided, single submitter. Criteria: GeneDx Variant Classification Process June 2021. Collection method: clinical testing. Allele origin: germline. Affected: yes.
Comment: Not observed at significant frequency in large population cohorts (gnomAD); In silico analysis supports that this missense variant has a deleterious effect on protein structure/function; Has not been previously published as pathogenic or benign to our knowledge

NM_015570.4(AUTS2):c.3500T>C (p.Leu1167Pro)

Gene: AUTS2 (activator of transcription and developmental regulator AUTS2; plus strand). Cytogenetic location: 7q11.22.
Variant type: single nucleotide variant.
Coding change: c.3500T>C on transcript NM_015570.4 (MANE Select); coding-DNA position 3500, T replaced by C.
Protein change: p.Leu1167Pro; replaces leucine 1167 with proline.
Molecular consequence: missense variant.
Genome position (GRCh38, 1-based): chr7:70,790,716, T>C. VCF-style: chr7-70790716-T-C. GRCh37 (hg19) VCF-style: chr7-70255702-T-C.
Other names: c.3428T>C, p.Leu1143Pro (NM_001127231.3); short protein forms L1143P, L1167P.
Identifiers: ClinVar variation 4681086 (VCV004681086.1).